The following is an entry in ClinVar:

NM_139057.4(ADAMTS17):c.2452G>A (p.Gly818Arg)

Gene: ADAMTS17 (ADAM metallopeptidase with thrombospondin type 1 motif 17; minus strand). Cytogenetic location: 15q26.3.
Variant type: single nucleotide variant.
Coding change: c.2452G>A on transcript NM_139057.4 (MANE Select); coding-DNA position 2452, G replaced by A.
Protein change: p.Gly818Arg; replaces glycine 818 with arginine.
Molecular consequence: missense variant.
Genome position (GRCh38, 1-based): chr15:100,051,575, C>T on the plus strand (G>A on the coding strand, the complement: ADAMTS17 is on the minus strand). VCF-style: chr15-100051575-C-T. GRCh37 (hg19) VCF-style: chr15-100591780-C-T.
Other names: short protein forms G818R.
Identifiers: ClinVar variation 2180062 (VCV002180062.2), dbSNP rs368919558, ClinGen allele CA7757727.

ClinVar aggregate classification (germline): Uncertain significance. Review status: criteria provided, multiple submitters, no conflicts (2 of 4 stars). 2 submissions from 2 submitters: Uncertain significance (2). Last evaluated 2024-08-01.

Allele frequency attached by ClinVar (database versions not stated): TOPMed 0.00003; gnomAD 0.00004; ExAC 0.00005; 1000 Genomes Project 30x 0.00016; 1000 Genomes Project 0.00020.
gnomAD v4.1: 40 of 1,613,418 alleles (0.0025%); highest among the groups gnomAD compares: Middle Eastern, 0.018%; no homozygotes.

Submissions (2):

Blueprint Genetics
Classification: Uncertain significance. Last evaluated: 2024-08-01. Review status: criteria provided, single submitter. Criteria: ACMG Guidelines, 2015. Collection method: clinical testing. Allele origin: germline.

Labcorp Genetics (formerly Invitae), Labcorp
Classification: Uncertain significance. Last evaluated: 2022-10-25. Review status: criteria provided, single submitter. Criteria: Invitae Variant Classification Sherloc (09022015). Collection method: clinical testing. Allele origin: germline.
Comment: This sequence change replaces glycine, which is neutral and non-polar, with arginine, which is basic and polar, at codon 818 of the ADAMTS17 protein (p.Gly818Arg). This variant is present in population databases (rs368919558, gnomAD 0.006%). This variant has not been reported in the literature in individuals affected with ADAMTS17-related conditions. Algorithms developed to predict the effect of missense changes on protein structure and function are either unavailable or do not agree on the potential impact of this missense change (SIFT: "Not Available"; PolyPhen-2: "Probably Damaging"; Align-GVGD: "Not Available"). In summary, the available evidence is currently insufficient to determine the role of this variant in disease. Therefore, it has been classified as a Variant of Uncertain Significance.